The following is an entry in ClinVar:

ClinVar aggregate classification (germline): Uncertain significance (1 of 4 stars; one submission).

Conditions:
Epileptic encephalopathy. Identifiers: MedGen C0543888, HP:0200134.

Allele frequency attached by ClinVar (database versions not stated): gnomAD exomes below 0.00001.
gnomAD v4.1: 3 of 1,610,796 alleles (0.00019%); highest among the groups gnomAD compares: South Asian, 0.0011%; no homozygotes.

Submission:

Labcorp Genetics (formerly Invitae), Labcorp
Classification: Uncertain significance for Epileptic encephalopathy. Last evaluated: 2022-08-09. Review status: criteria provided, single submitter. Criteria: Invitae Variant Classification Sherloc (09022015). Collection method: clinical testing. Allele origin: germline.
Comment: In summary, the available evidence is currently insufficient to determine the role of this variant in disease. Therefore, it has been classified as a Variant of Uncertain Significance. Algorithms developed to predict the effect of missense changes on protein structure and function (SIFT, PolyPhen-2, Align-GVGD) all suggest that this variant is likely to be tolerated. ClinVar contains an entry for this variant (Variation ID: 1506772). This variant has not been reported in the literature in individuals affected with FASN-related conditions. This variant is not present in population databases (gnomAD no frequency). This sequence change replaces glutamine, which is neutral and polar, with arginine, which is basic and polar, at codon 1938 of the FASN protein (p.Gln1938Arg).

NM_004104.5(FASN):c.5813A>G (p.Gln1938Arg)

Gene: FASN (fatty acid synthase; minus strand). Cytogenetic location: 17q25.3.
Variant type: single nucleotide variant.
Coding change: c.5813A>G on transcript NM_004104.5 (MANE Select); coding-DNA position 5813, A replaced by G.
Protein change: p.Gln1938Arg; replaces glutamine 1938 with arginine.
Molecular consequence: missense variant.
Genome position (GRCh38, 1-based): chr17:82,082,633, T>C on the plus strand (A>G on the coding strand, the complement: FASN is on the minus strand). VCF-style: chr17-82082633-T-C. GRCh37 (hg19) VCF-style: chr17-80040509-T-C.
Other names: short protein forms Q1938R.
Identifiers: ClinVar variation 1506772 (VCV001506772.8), dbSNP rs2144783878, ClinGen allele CA401535054.
Genomic context (GRCh38, chr17:82,082,633, plus strand): 5'-TCGGCAATGAGGCCCCGGGCCCCCTCCAGTGAGCTGATGTTGCTGGTGGACACCTGCACC[T>C]GTACGCCCTGGCGCCTCCACCGGCGGACCTGCTTGGCCTGGTAGCCTGCGGGACACAGGA-3'
Protein context (NP_004095.4, residues 1928-1948): QVRRWRRQGV[Gln1938Arg]VQVSTSNISS